The following is an entry in ClinVar:

NM_005585.5(SMAD6):c.703C>G (p.Leu235Val)

Gene: SMAD6 (SMAD family member 6; plus strand). Cytogenetic location: 15q22.31.
Variant type: single nucleotide variant.
Coding change: c.703C>G on transcript NM_005585.5 (MANE Select); coding-DNA position 703, C replaced by G.
Protein change: p.Leu235Val; replaces leucine 235 with valine.
Molecular consequence: missense variant. On other transcripts: non-coding transcript variant (1).
Genome position (GRCh38, 1-based): chr15:66,703,961, C>G. VCF-style: chr15-66703961-C-G. GRCh37 (hg19) VCF-style: chr15-66996299-C-G.
Other names: short protein forms L235V.
Identifiers: ClinVar variation 4743799 (VCV004743799.1).

ClinVar aggregate classification (germline): Uncertain significance (1 of 4 stars; one submission).

Conditions:
Aortic valve disease 2 (AOVD2). Identifiers: MedGen C3542024, MONDO:0013902, OMIM 614823.

Submission:

Labcorp Genetics (formerly Invitae), Labcorp
Classification: Uncertain significance for Aortic valve disease 2. Last evaluated: 2026-01-27. Review status: criteria provided, single submitter. Criteria: Invitae Variant Classification Sherloc (09022015). Collection method: clinical testing. Allele origin: germline.
Comment: This sequence change replaces leucine, which is neutral and non-polar, with valine, which is neutral and non-polar, at codon 235 of the SMAD6 protein (p.Leu235Val). This variant is not present in population databases (gnomAD no frequency). This variant has not been reported in the literature in individuals affected with SMAD6-related conditions. Invitae Evidence Modeling of protein sequence and biophysical properties (such as structural, functional, and spatial information, amino acid conservation, physicochemical variation, residue mobility, and thermodynamic stability) indicates that this missense variant is not expected to disrupt SMAD6 protein function with a negative predictive value of 80%. In summary, the available evidence is currently insufficient to determine the role of this variant in disease. Therefore, it has been classified as a Variant of Uncertain Significance.